The following is an entry in ClinVar:

ClinVar aggregate classification (germline): Pathogenic (1 of 4 stars; one submission).

Conditions:
Fetal anomalies with a likely genetic cause.

Submission:

Genetics Laboratory, Great Ormond Street Hospital NHS Foundation Trust, North Thames Genomic Laboratory Hub
Classification: Pathogenic for Fetal anomalies with a likely genetic cause. Last evaluated: 2026-02-03. Review status: criteria provided, single submitter. Criteria: ACGS Best Practice Guidelines for Variant Classification in Rare Disease 2024 v1.2. Collection method: clinical testing. Allele origin: germline. Affected: yes.
Comment: PM2_moderate, PVS1_very-strong

NM_001080414.4(CCDC88C):c.2646del (p.Ala883fs)

Gene: CCDC88C (coiled-coil and HOOK domain protein 88C; minus strand). Cytogenetic location: 14q32.11.
Variant type: Deletion.
Coding change: c.2646del on transcript NM_001080414.4 (MANE Select); coding-DNA position 2646, one base deleted (A; older notation c.2646delA).
Protein change: p.Ala883fs; shifts the reading frame from alanine 883.
Molecular consequence: frameshift variant. On other transcripts: non-coding transcript variant (2).
Genome position (GRCh38, 1-based): chr14:91,313,170, T deleted on the plus strand (A on the coding strand, the reverse complement: CCDC88C is on the minus strand). VCF-style (leftmost placement, unchanged base first): chr14-91313169-CT-C. GRCh37 (hg19) VCF-style: chr14-91779513-CT-C.
Other names: short protein forms A883fs.
Identifiers: ClinVar variation 4819301 (VCV004819301.1).